The following is an entry in ClinVar:

ClinVar aggregate classification (germline): Pathogenic/Likely pathogenic. Review status: criteria provided, multiple submitters, no conflicts (2 of 4 stars). 7 submissions from 7 submitters: Pathogenic (5); Likely pathogenic (1). 1 of the submissions does not count toward it. Last evaluated 2025-03-01.

Conditions:
Intellectual developmental disorder, autosomal dominant 50, with behavioral abnormalities. Also called: MENTAL RETARDATION, AUTOSOMAL DOMINANT 50; Intellectual disability, autosomal dominant 50. Identifiers: MedGen C4540470, MONDO:0030916, OMIM 617787.

gnomAD v4.1: 2 of 1,610,196 alleles (0.00012%); highest among the groups gnomAD compares: Non-Finnish European, 0.000085%; no homozygotes.

Submissions (7):

CeGaT Center for Human Genetics Tuebingen
Classification: Pathogenic. Last evaluated: 2025-03-01. Review status: criteria provided, single submitter. Criteria: CeGaT Center For Human Genetics Tuebingen Variant Classification Criteria Version 2. Collection method: clinical testing. Allele origin: germline. Affected: yes. Observed: 2 variant alleles.
Comment: NAA15: PVS1, PM2, PS4:Supporting

Human Genetics Bochum, Ruhr University Bochum
Classification: Pathogenic for Intellectual developmental disorder, autosomal dominant 50, with behavioral abnormalities. Last evaluated: 2024-08-16. Review status: criteria provided, single submitter. Criteria: ACMG Guidelines, 2015. Collection method: clinical testing. Allele origin: germline. Affected: yes.
Comment: ACMG criteria used to clasify this variant: PVS1, PS4_SUP, PM2_SUP

Institute of Human Genetics, University of Leipzig Medical Center
Classification: Pathogenic for Intellectual developmental disorder, autosomal dominant 50, with behavioral abnormalities. Last evaluated: 2023-11-28. Review status: criteria provided, single submitter. Criteria: ACMG Guidelines, 2015. Collection method: clinical testing. Allele origin: unknown. Inheritance: Autosomal dominant inheritance. Affected: yes.
Comment: Criteria applied: PVS1,PS2_MOD,PS4_MOD,PM2_SUP

Institute of Human Genetics, FAU Erlangen, Friedrich-Alexander-Universität Erlangen-Nürnberg
Classification: Pathogenic. Last evaluated: 2023-09-26. Review status: criteria provided, single submitter. Criteria: Hauer et al. (Genet Med. 2018). Collection method: clinical testing. Allele origin: germline. Inheritance: Autosomal dominant inheritance. Affected: yes. Observed: 1 variant allele.
Comment: This variant has been identified by standard clinical testing. Intellectual developmental disorder, autosomal dominant 50, with behavioral abnormalities Selected ACMG criteria: Pathogenic (I):PM2;PS2;PVS1

Revvity Omics, Revvity
Classification: Likely pathogenic for Intellectual developmental disorder, autosomal dominant 50, with behavioral abnormalities. Last evaluated: 2020-08-19. Review status: criteria provided, single submitter. Criteria: ACMG Guidelines, 2015. Collection method: clinical testing. Allele origin: germline.

Clinical Genetics Service, Universitary Hospital 12 de Octubre
Classification: Pathogenic for Intellectual developmental disorder, autosomal dominant 50, with behavioral abnormalities. Review status: criteria provided, single submitter. Criteria: ACMG Guidelines, 2015. Collection method: clinical testing. Allele origin: germline. Affected: yes.

Clinical Laboratory Sciences Program (CLSP), King Saud bin Abdulaziz University for Health Sciences (KSAU-HS)
Classification: Pathogenic for Intellectual developmental disorder, autosomal dominant 50, with behavioral abnormalities. Last evaluated: 2023-04-01. Review status: no assertion criteria provided. Collection method: clinical testing. Allele origin: germline. Affected: yes. Not counted in ClinVar's aggregate classification.

NM_057175.5(NAA15):c.2344C>T (p.Arg782Ter)

Gene: NAA15 (N-alpha-acetyltransferase 15, NatA auxiliary subunit; plus strand). Cytogenetic location: 4q31.1.
Variant type: single nucleotide variant.
Coding change: c.2344C>T on transcript NM_057175.5 (MANE Select); coding-DNA position 2344, C replaced by T.
Protein change: p.Arg782Ter; replaces arginine 782 with a stop codon.
Molecular consequence: nonsense.
Genome position (GRCh38, 1-based): chr4:139,386,174, C>T. VCF-style: chr4-139386174-C-T. GRCh37 (hg19) VCF-style: chr4-140307328-C-T.
Other names: c.2344C>T (NM_057175.4); short protein forms R782*.
Identifiers: ClinVar variation 1324774 (VCV001324774.48), dbSNP rs1270628305, ClinGen allele CA358270892.